The following is an entry in ClinVar:

ClinVar aggregate classification (germline): Uncertain significance (1 of 4 stars; one submission).

Conditions:
Rhabdoid tumor predisposition syndrome 2 (RTPS2). Identifiers: Orphanet 231108, Orphanet 69077, MedGen C2750074, MONDO:0013224, OMIM 613325.

Submission:

Labcorp Genetics (formerly Invitae), Labcorp
Classification: Uncertain significance for Rhabdoid tumor predisposition syndrome 2. Last evaluated: 2023-04-22. Review status: criteria provided, single submitter. Criteria: Invitae Variant Classification Sherloc (09022015). Collection method: clinical testing. Allele origin: germline.
Comment: This sequence change replaces serine, which is neutral and polar, with arginine, which is basic and polar, at codon 478 of the SMARCA4 protein (p.Ser478Arg). This variant is not present in population databases (gnomAD no frequency). This variant has not been reported in the literature in individuals affected with SMARCA4-related conditions. Advanced modeling of protein sequence and biophysical properties (such as structural, functional, and spatial information, amino acid conservation, physicochemical variation, residue mobility, and thermodynamic stability) performed at Invitae indicates that this missense variant is not expected to disrupt SMARCA4 protein function. In summary, the available evidence is currently insufficient to determine the role of this variant in disease. Therefore, it has been classified as a Variant of Uncertain Significance.

NM_003072.5(SMARCA4):c.1434C>A (p.Ser478Arg)

Gene: SMARCA4 (SWI/SNF related BAF chromatin remodeling complex subunit ATPase 4; plus strand). Cytogenetic location: 19p13.2.
Variant type: single nucleotide variant.
Coding change: c.1434C>A on transcript NM_003072.5 (MANE Select); coding-DNA position 1434, C replaced by A.
Protein change: p.Ser478Arg; replaces serine 478 with arginine.
Molecular consequence: missense variant. On other transcripts: non-coding transcript variant (1).
Genome position (GRCh38, 1-based): chr19:10,994,842, C>A. VCF-style: chr19-10994842-C-A. GRCh37 (hg19) VCF-style: chr19-11105518-C-A.
Other names: c.1434C>A, p.Ser478Arg (NM_001128844.3, NM_001128845.2, NM_001128846.2 and 6 more transcripts); short protein forms S478R.
Identifiers: ClinVar variation 2858165 (VCV002858165.3), dbSNP rs1555761987, ClinGen allele CA404061971.
Genomic context (GRCh38, chr19:10,994,842, plus strand): 5'-ACCATGCTGCTGAAGGGTCAGCCTTCTCTTTTGTGCTTTCCTGCAGGAATACCTCAATAG[C>A]ATTCTCCAGCATGCCAAGGATTTCAAGGAATATCACAGATCCGTCACAGGCAAAATCCAG-3'
Protein context (NP_003063.2, residues 468-488): RRQKHQEYLN[Ser478Arg]ILQHAKDFKE